The following is an entry in ClinVar:

ClinVar aggregate classification (germline): Uncertain significance (1 of 4 stars; one submission).

Conditions:
Joubert syndrome. Also called: CEREBELLOPARENCHYMAL DISORDER IV; JOUBERT-BOLTSHAUSER SYNDROME; Familial aplasia of the vermis. Identifiers: Orphanet 475, MedGen C5979921, MONDO:0018772.
Meckel-Gruber syndrome. Also called: DYSENCEPHALIA SPLANCHNOCYSTICA; GRUBER SYNDROME; Dysencephalia splachnocystica. Identifiers: Orphanet 564, MedGen C0265215, MONDO:0018921.
Nephronophthisis. Also called: Juvenile Nephronophthisis. Identifiers: Orphanet 655, MedGen C0687120, MONDO:0019005, HP:0000090.

Allele frequency attached by ClinVar (database versions not stated): ExAC 0.00001.

Submission:

Labcorp Genetics (formerly Invitae), Labcorp
Classification: Uncertain significance for Joubert syndrome; Meckel-Gruber syndrome; Nephronophthisis. Last evaluated: 2021-12-17. Review status: criteria provided, single submitter. Criteria: Invitae Variant Classification Sherloc (09022015). Collection method: clinical testing. Allele origin: germline.
Comment: This variant, c.7282_7284dup, results in the insertion of 1 amino acid(s) of the CEP290 protein (p.Lys2428dup), but otherwise preserves the integrity of the reading frame. This variant is present in population databases (rs763161211, gnomAD 0.007%). This variant has not been reported in the literature in individuals affected with CEP290-related conditions. Experimental studies and prediction algorithms are not available or were not evaluated, and the functional significance of this variant is currently unknown. In summary, the available evidence is currently insufficient to determine the role of this variant in disease. Therefore, it has been classified as a Variant of Uncertain Significance.

NM_025114.4(CEP290):c.7282_7284dup (p.Lys2428_Tyr2429insLys)

Genes: CEP290 (centrosomal protein 290; minus strand), RLIG1 (RNA 5'-phosphate and 3'-OH ligase 1; plus strand). Cytogenetic location: 12q21.32.
Variant type: Duplication.
Coding change: c.7282_7284dup on transcript NM_025114.4 (MANE Select); coding-DNA positions 7282 to 7284, 3 bases duplicated (AAG; older notation c.7282_7284dupAAG).
Protein change: p.Lys2428_Tyr2429insLys.
Molecular consequence: inframe insertion. On other transcripts: 3 prime UTR variant (1).
Genome position (GRCh38, 1-based): chr12:88,049,340-88,049,342, CTT duplicated on the plus strand (AAG on the coding strand, the reverse complement: CEP290 is on the minus strand). VCF-style (leftmost placement, unchanged base first): chr12-88049339-A-ACTT. GRCh37 (hg19) VCF-style: chr12-88443116-A-ACTT.
Other names: c.*918_*920dup (NM_001009894.3).
Identifiers: ClinVar variation 1979898 (VCV001979898.1), dbSNP rs763161211, ClinGen allele CA6711304.